The following is an entry in ClinVar:

ClinVar aggregate classification (germline): Uncertain significance (1 of 4 stars; one submission).

Conditions:
Autoimmune lymphoproliferative syndrome type 2B. Also called: AUTOIMMUNE LYMPHOPROLIFERATIVE SYNDROME, TYPE IIB. Identifiers: Orphanet 275517, MedGen C1846545, MONDO:0011804, OMIM 607271.

Allele frequency attached by ClinVar (database versions not stated): gnomAD exomes below 0.00001.
gnomAD v4.1: 1 of 1,614,114 alleles (0.000062%); highest among the groups gnomAD compares: Non-Finnish European, 0.000085%; no homozygotes.

Submission:

Labcorp Genetics (formerly Invitae), Labcorp
Classification: Uncertain significance for Autoimmune lymphoproliferative syndrome type 2B. Last evaluated: 2020-05-21. Review status: criteria provided, single submitter. Criteria: Invitae Variant Classification Sherloc (09022015). Collection method: clinical testing. Allele origin: germline.
Comment: In summary, the available evidence is currently insufficient to determine the role of this variant in disease. Therefore, it has been classified as a Variant of Uncertain Significance. Algorithms developed to predict the effect of missense changes on protein structure and function (SIFT, PolyPhen-2, Align-GVGD) all suggest that this variant is likely to be tolerated, but these predictions have not been confirmed by published functional studies and their clinical significance is uncertain. This variant has not been reported in the literature in individuals with CASP8-related conditions. This variant is not present in population databases (ExAC no frequency). This sequence change replaces tyrosine with phenylalanine at codon 341 of the CASP8 protein (p.Tyr341Phe). The tyrosine residue is highly conserved and there is a small physicochemical difference between tyrosine and phenylalanine.

NM_001372051.1(CASP8):c.971A>T (p.Tyr324Phe)

Gene: CASP8 (caspase 8; plus strand). Cytogenetic location: 2q33.1.
Variant type: single nucleotide variant.
Coding change: c.971A>T on transcript NM_001372051.1 (MANE Select); coding-DNA position 971, A replaced by T.
Protein change: p.Tyr324Phe; replaces tyrosine 324 with phenylalanine.
Molecular consequence: missense variant. On other transcripts: non-coding transcript variant (22), intron variant (1).
Genome position (GRCh38, 1-based): chr2:201,284,984, A>T. VCF-style: chr2-201284984-A-T. GRCh37 (hg19) VCF-style: chr2-202149707-A-T.
Other names: c.926A>T, p.Tyr309Phe (NM_001080124.2, NM_001400658.1, NM_001400659.1 and 5 more transcripts); c.1148A>T, p.Tyr383Phe (NM_001080125.2); c.1022A>T, p.Tyr341Phe (NM_001228.5); c.1103A>T, p.Tyr368Phe (NM_001400642.1); c.1004A>T, p.Tyr335Phe (NM_001400645.1); c.971A>T, p.Tyr324Phe (NM_001400648.1, NM_001400651.1, NM_001400653.1 and 5 more transcripts); c.902A>T, p.Tyr301Phe (NM_001400664.1); c.896A>T, p.Tyr299Phe (NM_001400665.1); and 7 more; short protein forms Y309F, Y324F, Y341F, Y383F, Y110F, Y119F, Y125F, Y221F.
Identifiers: ClinVar variation 999433 (VCV000999433.9), dbSNP rs1949486267, ClinGen allele CA350300316.